The following is an entry in ClinVar:

ClinVar aggregate classification (germline): Likely pathogenic (1 of 4 stars; one submission).

Submission:

GeneDx
Classification: Likely pathogenic. Last evaluated: 2026-10-09. Review status: criteria provided, single submitter. Criteria: GeneDx Variant Classification Process June 2021. Collection method: clinical testing. Allele origin: germline.
Comment: Nonsense variant predicted to result in protein truncation or nonsense mediated decay in a gene for which loss of function is a known mechanism of disease; Not observed at significant frequency in large population cohorts (gnomAD); Has not been previously published as pathogenic or benign to our knowledge

NM_033026.6(PCLO):c.5389C>T (p.Gln1797Ter)

Gene: PCLO (piccolo presynaptic cytomatrix protein; minus strand). Cytogenetic location: 7q21.11.
Variant type: single nucleotide variant.
Coding change: c.5389C>T on transcript NM_033026.6 (MANE Select); coding-DNA position 5389, C replaced by T.
Protein change: p.Gln1797Ter; replaces glutamine 1797 with a stop codon.
Molecular consequence: nonsense.
Genome position (GRCh38, 1-based): chr7:82,955,564, G>A on the plus strand (C>T on the coding strand, the complement: PCLO is on the minus strand). VCF-style: chr7-82955564-G-A. GRCh37 (hg19) VCF-style: chr7-82584880-G-A.
Other names: c.5389C>T, p.Gln1797Ter (NM_014510.3); short protein forms Q1797*.
Identifiers: ClinVar variation 3903270 (VCV003903270.2).
Genomic context (GRCh38, chr7:82,955,564, plus strand): 5'-GAGCTCGAAGTTCATCTTTGTCTTTCTTTGATTTTTTACTAGAACTCTTTCTTTGTTGCT[G>A]TTCTATTTCCCTCTGCTTTTCTTGCTCCTTTAATAATTCTTCTTCCTCTCTCAATTCTTC-3'